The following is an entry in ClinVar:

NM_198428.3(BBS9):c.1246G>A (p.Val416Met)

Gene: BBS9 (Bardet-Biedl syndrome 9; plus strand). Cytogenetic location: 7p14.3.
Variant type: single nucleotide variant.
Coding change: c.1246G>A on transcript NM_198428.3 (MANE Select); coding-DNA position 1246, G replaced by A.
Protein change: p.Val416Met; replaces valine 416 with methionine.
Molecular consequence: missense variant. On other transcripts: non-coding transcript variant (3).
Genome position (GRCh38, 1-based): chr7:33,340,944, G>A. VCF-style: chr7-33340944-G-A. GRCh37 (hg19) VCF-style: chr7-33380556-G-A.
Other names: c.1246G>A, p.Val416Met (NM_001033604.2, NM_001033605.2, NM_001348036.1 and 5 more transcripts); c.880G>A, p.Val294Met (NM_001348037.3, NM_001348044.3, NM_001348045.3 and 1 more transcripts); c.973G>A, p.Val325Met (NM_001348038.3, NM_001348039.3); c.1111G>A, p.Val371Met (NM_001348042.3); short protein forms V416M, V371M, V294M, V325M.
Identifiers: ClinVar variation 96647 (VCV000096647.23), dbSNP rs61764067, ClinGen allele CA149643.

ClinVar aggregate classification (germline): Benign/Likely benign. Review status: criteria provided, multiple submitters, no conflicts (2 of 4 stars). 9 submissions from 9 submitters: Benign (6); Likely benign (3). Last evaluated 2026-02-03.

Conditions:
Bardet-Biedl syndrome (BBS). Identifiers: Orphanet 110, MedGen C0752166, MONDO:0015229.
Bardet-Biedl syndrome 1 (BBS1). Identifiers: MedGen C2936862, MONDO:0008854, OMIM 209900. Disease mechanism: loss of function.
Bardet-Biedl syndrome 9 (BBS9). Identifiers: Orphanet 110, MedGen C1859567, MONDO:0014437, OMIM 615986.

Allele frequency attached by ClinVar (database versions not stated): gnomAD 0.00394 and 0.00375; TOPMed 0.00413; 1000 Genomes Project 30x 0.00453; 1000 Genomes Project 0.00459; ESP Exome Variant Server 0.00177.
gnomAD v4.1: 6,458 of 1,613,512 alleles (0.4%); highest among the groups gnomAD compares: East Asian, 2.3%; 38 homozygotes.

Submissions (9):

Labcorp Genetics (formerly Invitae), Labcorp
Classification: Benign for Bardet-Biedl syndrome. Last evaluated: 2026-02-03. Review status: criteria provided, single submitter. Criteria: Invitae Variant Classification Sherloc (09022015). Collection method: clinical testing. Allele origin: germline.

Blueprint Genetics
Classification: Likely benign. Last evaluated: 2024-11-27. Review status: criteria provided, single submitter. Criteria: ACMG Guidelines, 2015. Collection method: clinical testing. Allele origin: germline.

Mayo Clinic Laboratories, Mayo Clinic
Classification: Benign. Last evaluated: 2024-11-27. Review status: criteria provided, single submitter. Criteria: ACMG Guidelines, 2015. Collection method: clinical testing. Allele origin: germline. Observed: 1 variant allele.
Comment: BS1, BS2, BP4_moderate

Clinical Genetics DNA and cytogenetics Diagnostics Lab, Erasmus MC, Erasmus Medical Center
Classification: Benign for Bardet-Biedl syndrome 1. Last evaluated: 2017-10-12. Review status: criteria provided, single submitter. Criteria: ACGS Guidelines, 2013. Collection method: clinical testing. Allele origin: germline. Affected: yes. Study: VKGL Data-share Consensus.

Illumina Laboratory Services, Illumina
Classification: Benign for Bardet-Biedl syndrome 9. Last evaluated: 2017-04-27. Review status: criteria provided, single submitter. Criteria: ICSL Variant Classification Criteria 13 December 2019. Collection method: clinical testing. Allele origin: germline.
Comment: This variant was observed as part of a predisposition screen in an ostensibly healthy population. A literature search was performed for the gene, cDNA change, and amino acid change (where applicable). Publications were found based on this search. The evidence from the literature, in combination with allele frequency data from public databases where available, was sufficient to rule this variant out of causing disease. Therefore, this variant is classified as benign.

PreventionGenetics, part of Exact Sciences
Classification: Benign. Last evaluated: 2016-04-21. Review status: criteria provided, single submitter. Criteria: ACMG Guidelines, 2015. Collection method: clinical testing. Allele origin: germline.

Genome Diagnostics Laboratory, University Medical Center Utrecht
Classification: Likely benign for Bardet-Biedl syndrome 1. Last evaluated: 2015-01-27. Review status: criteria provided, single submitter. Criteria: ACGS Guidelines, 2013. Collection method: clinical testing. Allele origin: germline. Affected: yes. Study: VKGL Data-share Consensus.

Eurofins Ntd Llc (ga)
Classification: Benign. Last evaluated: 2014-08-29. Review status: criteria provided, single submitter. Criteria: EGL Classification Definitions 2015. Collection method: clinical testing. Allele origin: germline. Observed: 3 variant alleles, 3 heterozygotes.

Breakthrough Genomics
Classification: Likely benign. Review status: criteria provided, single submitter. Criteria: ACMG Guidelines, 2015. Collection method: not provided. Allele origin: germline. Inheritance: Autosomal recessive inheritance. Affected: yes.

Literature cited by the submitters: PubMed 23757202 (cited by Illumina Laboratory Services, Illumina).